The following is an entry in ClinVar:

NM_005902.4(SMAD3):c.955A>G (p.Asn319Asp)

Gene: SMAD3 (SMAD family member 3; plus strand). Cytogenetic location: 15q22.33.
Variant type: single nucleotide variant.
Coding change: c.955A>G on transcript NM_005902.4 (MANE Select); coding-DNA position 955, A replaced by G.
Protein change: p.Asn319Asp; replaces asparagine 319 with aspartic acid.
Molecular consequence: missense variant.
Genome position (GRCh38, 1-based): chr15:67,184,810, A>G. VCF-style: chr15-67184810-A-G. GRCh37 (hg19) VCF-style: chr15-67477148-A-G.
Other names: c.640A>G, p.Asn214Asp (NM_001145102.2); c.823A>G, p.Asn275Asp (NM_001145103.2); c.370A>G, p.Asn124Asp (NM_001145104.2); short protein forms N124D, N275D, N319D, N214D.
Identifiers: ClinVar variation 653908 (VCV000653908.7), dbSNP rs1595960455, ClinGen allele CA392957085.
Genomic context (GRCh38, chr15:67,184,810, plus strand): 5'-ATCGGAGGGGAGGTCTTCGCAGAGTGCCTCAGTGACAGCGCTATTTTTGTCCAGTCTCCC[A>G]ACTGTAACCAGCGCTATGGCTGGCACCCGGCCACCGTCTGCAAGATCCCACCAGGTAAAC-3'
Protein context (NP_005893.1, residues 309-329): SDSAIFVQSP[Asn319Asp]CNQRYGWHPA

ClinVar aggregate classification (germline): Uncertain significance (1 of 4 stars; one submission).

Conditions:
Familial thoracic aortic aneurysm and aortic dissection (TAAD). Also called: Thoracic aortic aneurysms and dissections. Identifiers: Orphanet 91387, MedGen C4707243, MONDO:0019625.

Submission:

Labcorp Genetics (formerly Invitae), Labcorp
Classification: Uncertain significance for Familial thoracic aortic aneurysm and aortic dissection. Last evaluated: 2018-10-29. Review status: criteria provided, single submitter. Criteria: Invitae Variant Classification Sherloc (09022015). Collection method: clinical testing. Allele origin: germline.
Comment: This sequence change replaces asparagine with aspartic acid at codon 319 of the SMAD3 protein (p.Asn319Asp). The asparagine residue is highly conserved and there is a small physicochemical difference between asparagine and aspartic acid. This variant is not present in population databases (ExAC no frequency). This variant has not been reported in the literature in individuals with SMAD3-related disease. Algorithms developed to predict the effect of missense changes on protein structure and function are either unavailable or do not agree on the potential impact of this missense change (SIFT: "Deleterious"; PolyPhen-2: "Probably Damaging"; Align-GVGD: "Class C0"). In summary, the available evidence is currently insufficient to determine the role of this variant in disease. Therefore, it has been classified as a Variant of Uncertain Significance.